The following is an entry in ClinVar:

NM_019066.5(MAGEL2):c.1238C>T (p.Pro413Leu)

Gene: MAGEL2 (MAGE family member L2; minus strand). Cytogenetic location: 15q11.2.
Variant type: single nucleotide variant.
Coding change: c.1238C>T on transcript NM_019066.5 (MANE Select); coding-DNA position 1238, C replaced by T.
Protein change: p.Pro413Leu; replaces proline 413 with leucine.
Molecular consequence: missense variant.
Genome position (GRCh38, 1-based): chr15:23,646,505, G>A on the plus strand (C>T on the coding strand, the complement: MAGEL2 is on the minus strand). VCF-style: chr15-23646505-G-A. GRCh37 (hg19) VCF-style: chr15-23891652-G-A.
Other names: c.1238C>T (NM_019066.4); short protein forms P413L.
Identifiers: ClinVar variation 2084759 (VCV002084759.6), dbSNP rs1373178870, ClinGen allele CA391334817.

ClinVar aggregate classification (germline): Uncertain significance. Review status: criteria provided, single submitter (1 of 4 stars). 2 submissions from 2 submitters: Uncertain significance (1). 1 of the submissions does not count toward it. Last evaluated 2026-01-25.

Conditions:
MAGEL2-related disorder. Also called: MAGEL2-related condition.

Allele frequency attached by ClinVar (database versions not stated): gnomAD exomes 0.00001; TOPMed 0.00001; gnomAD 0.00002.

Submissions (2):

Labcorp Genetics (formerly Invitae), Labcorp
Classification: Uncertain significance. Last evaluated: 2026-01-25. Review status: criteria provided, single submitter. Criteria: Invitae Variant Classification Sherloc (09022015). Collection method: clinical testing. Allele origin: germline.
Comment: This sequence change replaces proline, which is neutral and non-polar, with leucine, which is neutral and non-polar, at codon 413 of the MAGEL2 protein (p.Pro413Leu). This variant is present in population databases (no rsID available, gnomAD 0.04%). This variant has not been reported in the literature in individuals affected with MAGEL2-related conditions. ClinVar contains an entry for this variant (Variation ID: 2084759). Experimental studies and prediction algorithms are not available or were not evaluated, and the functional significance of this variant is currently unknown. In summary, the available evidence is currently insufficient to determine the role of this variant in disease. Therefore, it has been classified as a Variant of Uncertain Significance.

PreventionGenetics, part of Exact Sciences
Classification: Uncertain significance for MAGEL2-related condition. Last evaluated: 2024-01-03. Review status: no assertion criteria provided. Collection method: clinical testing. Allele origin: germline. Not counted in ClinVar's aggregate classification.
Comment: The MAGEL2 c.1238C>T variant is predicted to result in the amino acid substitution p.Pro413Leu. To our knowledge, this variant has not been reported in the literature. This variant is reported in 0.039% of alleles in individuals of Ashkenazi Jewish descent in gnomAD. Although we suspect that this variant may be benign, at this time, the clinical significance of this variant is uncertain due to the absence of conclusive functional and genetic evidence.